The following is an entry in ClinVar:

ClinVar aggregate classification (germline): Likely benign. Review status: criteria provided, multiple submitters, no conflicts (2 of 4 stars). 4 submissions from 4 submitters: Likely benign (3). 1 of the submissions does not count toward it. Last evaluated 2025-12-02.

Conditions:
C1QC-related disorder. Also called: C1QC-related condition.

Allele frequency attached by ClinVar (database versions not stated): gnomAD 0.00007; ESP Exome Variant Server 0.00008; 1000 Genomes Project 30x 0.00016.

Submissions (4):

Labcorp Genetics (formerly Invitae), Labcorp
Classification: Likely benign. Last evaluated: 2025-12-02. Review status: criteria provided, single submitter. Criteria: Invitae Variant Classification Sherloc (09022015). Collection method: clinical testing. Allele origin: germline.

CeGaT Center for Human Genetics Tuebingen
Classification: Likely benign. Last evaluated: 2025-02-01. Review status: criteria provided, single submitter. Criteria: CeGaT Center For Human Genetics Tuebingen Variant Classification Criteria Version 2. Collection method: clinical testing. Allele origin: germline. Affected: yes. Observed: 1 variant allele.
Comment: C1QC: BP4, BP7

Blueprint Genetics
Classification: Likely benign. Last evaluated: 2024-05-22. Review status: criteria provided, single submitter. Criteria: ACMG Guidelines, 2015. Collection method: clinical testing. Allele origin: germline.

PreventionGenetics, part of Exact Sciences
Classification: Likely benign for C1QC-related condition. Last evaluated: 2019-02-26. Review status: no assertion criteria provided. Collection method: clinical testing. Allele origin: germline. Not counted in ClinVar's aggregate classification.
Comment: This variant is classified as likely benign based on ACMG/AMP sequence variant interpretation guidelines (Richards et al. 2015 PMID: 25741868, with internal and published modifications).

NM_172369.5(C1QC):c.516G>A (p.Ala172=)

Gene: C1QC (complement C1q C chain; plus strand). Cytogenetic location: 1p36.12.
Variant type: single nucleotide variant.
Coding change: c.516G>A on transcript NM_172369.5 (MANE Select); coding-DNA position 516, G replaced by A.
Protein change: p.Ala172=; no amino-acid change (alanine 172 retained).
Molecular consequence: synonymous variant.
Genome position (GRCh38, 1-based): chr1:22,647,561, G>A. VCF-style: chr1-22647561-G-A. GRCh37 (hg19) VCF-style: chr1-22974054-G-A.
Other names: c.516G>A, p.Ala172= (NM_001114101.3, NM_001347619.2); c.249G>A, p.Ala83= (NM_001347620.2); c.516G>A (NM_172369.4).
Identifiers: ClinVar variation 1541132 (VCV001541132.24), dbSNP rs369658525, ClinGen allele CA677999.
Genomic context (GRCh38, chr1:22,647,561, plus strand): 5'-CACGAGCACTGGCAAGTTCACCTGCAAAGTCCCCGGCCTCTACTACTTTGTCTACCACGC[G>A]TCGCATACAGCCAACCTGTGCGTGCTGCTGTACCGCAGCGGCGTCAAAGTGGTCACCTTC-3'
Protein context (NP_758957.2, residues 162-182): VPGLYYFVYH[Ala172=]SHTANLCVLL